The following is an entry in ClinVar:

NM_001352754.2(ARMC9):c.1465C>T (p.Arg489Cys)

Gene: ARMC9 (armadillo repeat containing 9; plus strand). Cytogenetic location: 2q37.1.
Variant type: single nucleotide variant.
Coding change: c.1465C>T on transcript NM_001352754.2 (MANE Select); coding-DNA position 1465, C replaced by T.
Protein change: p.Arg489Cys; replaces arginine 489 with cysteine.
Molecular consequence: missense variant. On other transcripts: non-coding transcript variant (1).
Genome position (GRCh38, 1-based): chr2:231,276,766, C>T. VCF-style: chr2-231276766-C-T. GRCh37 (hg19) VCF-style: chr2-232141479-C-T.
Other names: c.1465C>T, p.Arg489Cys (NM_001271466.4, NM_001291656.2, NM_001352755.2 and 3 more transcripts); c.1366C>T, p.Arg456Cys (NM_001352757.2, NM_001352758.2); short protein forms R456C, R489C.
Identifiers: ClinVar variation 1038358 (VCV001038358.9), dbSNP rs1426131334, ClinGen allele CA350955948.

ClinVar aggregate classification (germline): Uncertain significance. Review status: criteria provided, multiple submitters, no conflicts (2 of 4 stars). 2 submissions from 2 submitters: Uncertain significance (2). Last evaluated 2022-09-01.

Allele frequency attached by ClinVar (database versions not stated): gnomAD exomes below 0.00001; TOPMed below 0.00001.
gnomAD v4.1: 3 of 1,614,064 alleles (0.00019%); highest among the groups gnomAD compares: African/African-American, 0.0013%; no homozygotes.

Submissions (2):

Labcorp Genetics (formerly Invitae), Labcorp
Classification: Uncertain significance. Last evaluated: 2022-09-01. Review status: criteria provided, single submitter. Criteria: Invitae Variant Classification Sherloc (09022015). Collection method: clinical testing. Allele origin: germline.
Comment: In summary, the available evidence is currently insufficient to determine the role of this variant in disease. Therefore, it has been classified as a Variant of Uncertain Significance. Experimental studies and prediction algorithms are not available or were not evaluated, and the functional significance of this variant is currently unknown. ClinVar contains an entry for this variant (Variation ID: 1038358). This variant has not been reported in the literature in individuals affected with ARMC9-related conditions. This variant is not present in population databases (gnomAD no frequency). This sequence change replaces arginine, which is basic and polar, with cysteine, which is neutral and slightly polar, at codon 489 of the ARMC9 protein (p.Arg489Cys).

Breakthrough Genomics
Classification: Uncertain significance. Review status: criteria provided, single submitter. Criteria: ACMG Guidelines, 2015. Collection method: not provided. Allele origin: germline. Inheritance: Autosomal recessive inheritance. Affected: yes.